The following is an entry in ClinVar:

ClinVar aggregate classification (germline): Likely benign. Review status: criteria provided, single submitter (1 of 4 stars). 2 submissions from 2 submitters: Likely benign (1). 1 of the submissions does not count toward it. Last evaluated 2025-11-01.

Conditions:
CDC42BPB-related disorder.

Allele frequency attached by ClinVar (database versions not stated): 1000 Genomes Project 30x 0.00016; 1000 Genomes Project 0.00020; ESP Exome Variant Server 0.00023; gnomAD 0.00100; ExAC 0.00106; TOPMed 0.00109; gnomAD exomes 0.00190.
gnomAD v4.1: 2,877 of 1,614,158 alleles (0.18%); highest among the groups gnomAD compares: Non-Finnish European, 0.23%; 7 homozygotes.

Submissions (2):

CeGaT Center for Human Genetics Tuebingen
Classification: Likely benign. Last evaluated: 2025-11-01. Review status: criteria provided, single submitter. Criteria: CeGaT Center For Human Genetics Tuebingen Variant Classification Criteria Version 2. Collection method: clinical testing. Allele origin: germline. Affected: yes. Observed: 3 variant alleles.
Comment: CDC42BPB: PP2, BS2

PreventionGenetics, part of Exact Sciences
Classification: Likely benign for CDC42BPB-related condition. Last evaluated: 2023-03-23. Review status: no assertion criteria provided. Collection method: clinical testing. Allele origin: germline. Not counted in ClinVar's aggregate classification.
Comment: This variant is classified as likely benign based on ACMG/AMP sequence variant interpretation guidelines (Richards et al. 2015 PMID: 25741868, with internal and published modifications).

NM_006035.4(CDC42BPB):c.4723G>C (p.Asp1575His)

Gene: CDC42BPB (CDC42 binding protein kinase beta; minus strand). Cytogenetic location: 14q32.32.
Variant type: single nucleotide variant.
Coding change: c.4723G>C on transcript NM_006035.4 (MANE Select); coding-DNA position 4723, G replaced by C.
Protein change: p.Asp1575His; replaces aspartic acid 1575 with histidine.
Molecular consequence: missense variant.
Genome position (GRCh38, 1-based): chr14:102,939,714, C>G on the plus strand (G>C on the coding strand, the complement: CDC42BPB is on the minus strand). VCF-style: chr14-102939714-C-G. GRCh37 (hg19) VCF-style: chr14-103406051-C-G.
Other names: c.4645G>C, p.Asp1549His (NM_001411054.1); c.4723G>C (NM_006035.3); short protein forms D1549H, D1575H.
Identifiers: ClinVar variation 3024759 (VCV003024759.23), dbSNP rs139323146, ClinGen allele CA7360315.